The following is an entry in ClinVar:

NM_005862.3(STAG1):c.3248C>A (p.Pro1083Gln)

Gene: STAG1 (STAG1 cohesin complex component; minus strand). Cytogenetic location: 3q22.3.
Variant type: single nucleotide variant.
Coding change: c.3248C>A on transcript NM_005862.3 (MANE Select); coding-DNA position 3248, C replaced by A.
Protein change: p.Pro1083Gln; replaces proline 1083 with glutamine.
Molecular consequence: missense variant.
Genome position (GRCh38, 1-based): chr3:136,349,181, G>T on the plus strand (C>A on the coding strand, the complement: STAG1 is on the minus strand). VCF-style: chr3-136349181-G-T. GRCh37 (hg19) VCF-style: chr3-136068023-G-T.
Other names: short protein forms P1083Q.
Identifiers: ClinVar variation 3635796 (VCV003635796.2).

ClinVar aggregate classification (germline): Uncertain significance (1 of 4 stars; one submission).

Submission:

Labcorp Genetics (formerly Invitae), Labcorp
Classification: Uncertain significance. Last evaluated: 2024-11-27. Review status: criteria provided, single submitter. Criteria: Invitae Variant Classification Sherloc (09022015). Collection method: clinical testing. Allele origin: germline.
Comment: This sequence change replaces proline, which is neutral and non-polar, with glutamine, which is neutral and polar, at codon 1083 of the STAG1 protein (p.Pro1083Gln). This variant is not present in population databases (gnomAD no frequency). This variant has not been reported in the literature in individuals affected with STAG1-related conditions. Invitae Evidence Modeling of protein sequence and biophysical properties (such as structural, functional, and spatial information, amino acid conservation, physicochemical variation, residue mobility, and thermodynamic stability) indicates that this missense variant is not expected to disrupt STAG1 protein function with a negative predictive value of 95%. In summary, the available evidence is currently insufficient to determine the role of this variant in disease. Therefore, it has been classified as a Variant of Uncertain Significance.